The following is an entry in ClinVar:

NM_015346.4(ZFYVE26):c.3062G>A (p.Arg1021Gln)

Gene: ZFYVE26 (zinc finger FYVE-type containing 26; minus strand). Cytogenetic location: 14q24.1.
Variant type: single nucleotide variant.
Coding change: c.3062G>A on transcript NM_015346.4 (MANE Select); coding-DNA position 3062, G replaced by A.
Protein change: p.Arg1021Gln; replaces arginine 1021 with glutamine.
Molecular consequence: missense variant.
Genome position (GRCh38, 1-based): chr14:67,786,191, C>T on the plus strand (G>A on the coding strand, the complement: ZFYVE26 is on the minus strand). VCF-style: chr14-67786191-C-T. GRCh37 (hg19) VCF-style: chr14-68252908-C-T.
Other names: short protein forms R1021Q.
Identifiers: ClinVar variation 216691 (VCV000216691.3), dbSNP rs777945768, ClinGen allele CA336049.

ClinVar aggregate classification (germline): Uncertain significance. Review status: criteria provided, multiple submitters, no conflicts (2 of 4 stars). 2 submissions from 2 submitters: Uncertain significance (2). Last evaluated 2025-05-01.

Conditions:
Inborn genetic diseases. Identifiers: MedGen C0950123, MeSH D030342.
Spastic paraplegia. Identifiers: MedGen C0037772, HP:0001258.

Allele frequency attached by ClinVar (database versions not stated): gnomAD 0.00001 and 0.00003; TOPMed 0.00002; gnomAD exomes 0.00004 and 0.00012; ExAC 0.00015.
gnomAD v4.1: 66 of 1,603,088 alleles (0.0041%); highest among the groups gnomAD compares: South Asian, 0.067%; no homozygotes.

Submissions (2):

Ambry Genetics
Classification: Uncertain significance for Inborn genetic diseases. Last evaluated: 2025-05-01. Review status: criteria provided, single submitter. Criteria: Ambry Variant Classification Scheme 2023. Collection method: clinical testing. Allele origin: germline.

Labcorp Genetics (formerly Invitae), Labcorp
Classification: Uncertain significance for Spastic paraplegia. Last evaluated: 2021-08-31. Review status: criteria provided, single submitter. Criteria: Invitae Variant Classification Sherloc (09022015). Collection method: clinical testing. Allele origin: germline.
Comment: This sequence change replaces arginine with glutamine at codon 1021 of the ZFYVE26 protein (p.Arg1021Gln). The arginine residue is moderately conserved and there is a small physicochemical difference between arginine and glutamine. This variant has not been reported in the literature in individuals affected with ZFYVE26-related conditions. Algorithms developed to predict the effect of missense changes on protein structure and function output the following: SIFT: "Tolerated"; PolyPhen-2: "Benign"; Align-GVGD: "Class C0". The glutamine amino acid residue is found in multiple mammalian species, which suggests that this missense change does not adversely affect protein function. In summary, the available evidence is currently insufficient to determine the role of this variant in disease. Therefore, it has been classified as a Variant of Uncertain Significance.